The following is an entry in ClinVar:

NM_000038.6(APC):c.7760A>T (p.Glu2587Val)

Gene: APC (APC regulator of Wnt signaling pathway; plus strand). Cytogenetic location: 5q22.2.
Variant type: single nucleotide variant.
Coding change: c.7760A>T on transcript NM_000038.6 (MANE Select); coding-DNA position 7760, A replaced by T.
Protein change: p.Glu2587Val; replaces glutamic acid 2587 with valine.
Molecular consequence: missense variant.
Genome position (GRCh38, 1-based): chr5:112,843,354, A>T. VCF-style: chr5-112843354-A-T. GRCh37 (hg19) VCF-style: chr5-112179051-A-T.
Other names: c.7760A>T, p.Glu2587Val (NM_001127510.3, NM_001354895.2, NM_001407450.1); c.7706A>T, p.Glu2569Val (NM_001127511.3); c.7814A>T, p.Glu2605Val (NM_001354896.2, NM_001407447.1, NM_001407448.1 and 1 more transcripts); c.7790A>T, p.Glu2597Val (NM_001354897.2); c.7685A>T, p.Glu2562Val (NM_001354898.2); c.7676A>T, p.Glu2559Val (NM_001354899.2); c.7637A>T, p.Glu2546Val (NM_001354900.2); c.7583A>T, p.Glu2528Val (NM_001354901.2, NM_001407453.1); and 11 more; short protein forms E2203V, E2304V, E2427V, E2461V, E2486V, E2528V, E2569V, E2580V.
Identifiers: ClinVar variation 1760503 (VCV001760503.4), dbSNP rs2533817558, ClinGen allele CA16038187.

ClinVar aggregate classification (germline): Uncertain significance. Review status: criteria provided, multiple submitters, no conflicts (2 of 4 stars). 3 submissions from 3 submitters: Uncertain significance (3). Last evaluated 2023-12-18.

Conditions:
Hereditary cancer-predisposing syndrome. Also called: Neoplastic Syndromes, Hereditary; Tumor predisposition; Hereditary Cancer Syndrome; Hereditary neoplastic syndrome. Identifiers: Orphanet 140162, MedGen C0027672, MeSH D009386, MONDO:0015356.
Classic or attenuated familial adenomatous polyposis. Identifiers: MedGen CN372698, MONDO:0021057.

Allele frequency attached by ClinVar (database versions not stated): gnomAD exomes below 0.00001.
gnomAD v4.1: 1 of 1,613,980 alleles (0.000062%); highest among the groups gnomAD compares: Non-Finnish European, 0.000085%; no homozygotes.

Submissions (3):

All of Us Research Program, National Institutes of Health
Classification: Uncertain significance for Classic or attenuated familial adenomatous polyposis. Last evaluated: 2023-12-18. Review status: criteria provided, single submitter. Criteria: ACMG Guidelines, 2015. Collection method: clinical testing. Allele origin: germline. Inheritance: Autosomal dominant inheritance. Observed: 1 variant allele, 1 heterozygote.
Comment: This missense variant replaces glutamic acid with valine at codon 2587 of the APC protein. Computational prediction suggests that this variant may not impact protein structure and function (internally defined REVEL score threshold <= 0.5, PMID: 27666373). To our knowledge, functional studies have not been reported for this variant. This variant has not been reported in individuals affected with APC-related disorders in the literature. This variant has not been identified in the general population by the Genome Aggregation Database (gnomAD). The available evidence is insufficient to determine the role of this variant in disease conclusively. Therefore, this variant is classified as a Variant of Uncertain Significance.

This study involves interpretation of variants in research participants for the purpose of population health screening. Participant phenotype was not available at the time of variant classification. Additional details can be found in publication PMID: 35346344, PMCID: PMC8962531

Color Diagnostics, LLC DBA Color Health
Classification: Uncertain significance for Hereditary cancer-predisposing syndrome. Last evaluated: 2023-11-29. Review status: criteria provided, single submitter. Criteria: ACMG Guidelines, 2015. Collection method: clinical testing. Allele origin: germline.
Comment: This missense variant replaces glutamic acid with valine at codon 2587 of the APC protein. Computational prediction suggests that this variant may not impact protein structure and function. To our knowledge, functional studies have not been reported for this variant. This variant has not been reported in individuals affected with APC-related disorders in the literature. This variant has not been identified in the general population by the Genome Aggregation Database (gnomAD). The available evidence is insufficient to determine the role of this variant in disease conclusively. Therefore, this variant is classified as a Variant of Uncertain Significance.

Ambry Genetics
Classification: Uncertain significance for Hereditary cancer-predisposing syndrome. Last evaluated: 2019-05-11. Review status: criteria provided, single submitter. Criteria: Ambry Variant Classification Scheme 2023. Collection method: clinical testing. Allele origin: germline.
Comment: The p.E2587V variant (also known as c.7760A>T), located in coding exon 15 of the APC gene, results from an A to T substitution at nucleotide position 7760. The glutamic acid at codon 2587 is replaced by valine, an amino acid with dissimilar properties. This amino acid position is highly conserved in available vertebrate species. In addition, in silico predictors for this gene do not accurately predict pathogenicity. Since supporting evidence is limited at this time, the clinical significance of this alteration remains unclear.